The following is an entry in ClinVar:

ClinVar aggregate classification (germline): Pathogenic (1 of 4 stars; one submission).

Conditions:
Osteogenesis imperfecta type I (OI1). Also called: Lobstein disease; OI, TYPE I; OSTEOGENESIS IMPERFECTA TARDA; OSTEOGENESIS IMPERFECTA WITH BLUE SCLERAE; Osteogenesis imperfecta type 1; Classic Non-deforming Osteogenesis Imperfecta with Blue Sclerae. Identifiers: Orphanet 216796, Orphanet 666, MedGen C0023931, MONDO:0008146, OMIM 166200. Disease mechanism: loss of function.

Submission:

Labcorp Genetics (formerly Invitae), Labcorp
Classification: Pathogenic for Osteogenesis imperfecta type I. Last evaluated: 2022-02-22. Review status: criteria provided, single submitter. Criteria: Invitae Variant Classification Sherloc (09022015). Collection method: clinical testing. Allele origin: germline.
Comment: This sequence change creates a premature translational stop signal (p.Pro850Leufs*258) in the COL1A1 gene. It is expected to result in an absent or disrupted protein product. Loss-of-function variants in COL1A1 are known to be pathogenic (PMID: 7942841, 9295084, 9443882). This variant is not present in population databases (gnomAD no frequency). This premature translational stop signal has been observed in individual(s) with osteogenesis imperfecta (PMID: 26177859). For these reasons, this variant has been classified as Pathogenic.

Literature cited by the submitters: PubMed 7942841; PubMed 9295084; PubMed 9443882; PubMed 26177859.

NM_000088.4(COL1A1):c.2544del (p.Pro850fs)

Gene: COL1A1 (collagen type I alpha 1 chain; minus strand). Cytogenetic location: 17q21.33.
Variant type: Deletion.
Coding change: c.2544del on transcript NM_000088.4 (MANE Select); coding-DNA position 2544, one base deleted (A; older notation c.2544delA).
Protein change: p.Pro850fs; shifts the reading frame from proline 850.
Molecular consequence: frameshift variant.
Genome position (GRCh38, 1-based): chr17:50,190,016, T deleted on the plus strand (A on the coding strand, the reverse complement: COL1A1 is on the minus strand). VCF-style (leftmost placement, unchanged base first): chr17-50190015-GT-G. GRCh37 (hg19) VCF-style: chr17-48267376-GT-G.
Other names: short protein forms P850fs.
Identifiers: ClinVar variation 2102137 (VCV002102137.4), dbSNP rs2509188207, ClinGen allele CA2580094247.